The following is an entry in ClinVar:

NM_000543.5(SMPD1):c.1165del (p.Arg389fs)

Gene: SMPD1 (sphingomyelin phosphodiesterase 1; plus strand). Cytogenetic location: 11p15.4.
Variant type: Deletion.
Coding change: c.1165del on transcript NM_000543.5 (MANE Select); coding-DNA position 1165, one base deleted (C; older notation c.1165delC).
Protein change: p.Arg389fs; shifts the reading frame from arginine 389.
Molecular consequence: frameshift variant. On other transcripts: non-coding transcript variant (1), intron variant (1).
Genome position (GRCh38, 1-based): chr11:6,393,289, C deleted; the last of 3 consecutive C bases (chr11:6,393,287-6,393,289); deleting any one gives the same sequence. VCF-style (leftmost placement, unchanged base first): chr11-6393286-TC-T. GRCh37 (hg19) VCF-style: chr11-6414516-TC-T.
Other names: c.1162del, p.Arg388fs (NM_001007593.3); c.1165del, p.Arg389fs (NM_001318087.2); c.244del, p.Arg82fs (NM_001318088.2); c.1132-328del (NM_001365135.2); short protein forms R388fs, R389fs, R82fs.
Identifiers: ClinVar variation 4814345 (VCV004814345.1).
Genomic context (GRCh38, chr11:6,393,286, plus strand): 5'-TTCTATGCTCTTTCCCCATACCCCGGTCTCCGCCTCATCTCTCTCAATATGAATTTTTGT[TC>T]CCGTGAGAACTTCTGGCTCTTGATCAACTCCACGGATCCCGCAGGACAGCTCCAGTGGCT-3'

ClinVar aggregate classification (germline): Pathogenic (1 of 4 stars; one submission).

Conditions:
Niemann-Pick disease, type A. Also called: SPHINGOMYELIN LIPIDOSIS; SPHINGOMYELINASE DEFICIENCY; Infantile Neurovisceral ASMD (Niemann-Pick Disease Type A; NPD-A). Identifiers: Orphanet 77292, MedGen C0268242, MONDO:0009756, OMIM 257200. Disease mechanism: loss of function.

Submission:

Natera, Inc.
Classification: Pathogenic for Niemann-Pick Disease, Types A/B. Last evaluated: 2024-11-26. Review status: criteria provided, single submitter. Criteria: Natera Variant Classification Schema (03/2026). Collection method: clinical testing. Allele origin: germline.
Comment: The c.1165delC variant in SMPD1 is a frameshift variant predicted to shift the reading frame beginning at codon 389 and leads to a stop codon 7 codons downstream. This variant is expected to result in nonsense mediated decay, truncation, or a dysfunctional protein product. This variant is rare in the general population with a frequency below the threshold expected for the associated phenotype(s). This variant has been observed in one or more individuals affected with the associated recessive disease, as either homozygous or compound heterozygous with a second variant (PMID: 26169295). Given the available evidence, this variant is classified as Pathogenic.

Literature cited by the submitters: PubMed 26169295.